The following is an entry in ClinVar:

NM_138387.4(G6PC3):c.172C>G (p.Leu58Val)

Genes: G6PC3 (glucose-6-phosphatase catalytic subunit 3; plus strand), LOC130060959 (ATAC-STARR-seq lymphoblastoid active region 12250; plus strand). Cytogenetic location: 17q21.31.
Variant type: single nucleotide variant.
Coding change: c.172C>G on transcript NM_138387.4 (MANE Select); coding-DNA position 172, C replaced by G.
Protein change: p.Leu58Val; replaces leucine 58 with valine.
Molecular consequence: missense variant. On other transcripts: 5 prime UTR variant (3), intron variant (1).
Genome position (GRCh38, 1-based): chr17:44,071,137, C>G. VCF-style: chr17-44071137-C-G. GRCh37 (hg19) VCF-style: chr17-42148505-C-G.
Other names: c.172C>G, p.Leu58Val (NM_001319945.2); c.-233C>G (NM_001384165.1); c.-368C>G (NM_001384166.1); c.-358C>G (NM_001384167.1); c.-312+423C>G (NM_001384168.1); short protein forms L58V.
Identifiers: ClinVar variation 3852384 (VCV003852384.1).

ClinVar aggregate classification (germline): Uncertain significance (1 of 4 stars; one submission).

Conditions:
Inborn genetic diseases. Identifiers: MedGen C0950123, MeSH D030342.

Submission:

Ambry Genetics
Classification: Uncertain significance for Inborn genetic diseases. Last evaluated: 2025-03-08. Review status: criteria provided, single submitter. Criteria: Ambry Variant Classification Scheme 2023. Collection method: clinical testing. Allele origin: germline.
Comment: The p.L58V variant (also known as c.172C>G), located in coding exon 1 of the G6PC3 gene, results from a C to G substitution at nucleotide position 172. The leucine at codon 58 is replaced by valine, an amino acid with highly similar properties. This amino acid position is conserved. In addition, this alteration is predicted to be tolerated by in silico analysis. Based on the available evidence, the clinical significance of this variant remains unclear.